The following is an entry in ClinVar:

NM_001379500.1(COL18A1):c.2973_2974insTCCCCCGGC (p.Gly991_Pro992insSerProGly)

Genes: COL18A1 (collagen type XVIII alpha 1 chain; plus strand), SLC19A1 (solute carrier family 19 member 1; minus strand). Cytogenetic location: 21q22.3.
Variant type: Insertion.
Coding change: c.2973_2974insTCCCCCGGC on transcript NM_001379500.1 (MANE Select); coding-DNA positions 2973 to 2974, TCCCCCGGC inserted.
Protein change: p.Gly991_Pro992insSerProGly.
Molecular consequence: inframe insertion.
Genome position: GRCh38 VCF-style: chr21-45505235-A-AGGCTCCCCC. GRCh37 (hg19) VCF-style: chr21-46925149-A-AGGCTCCCCC.
Other names: c.3504_3505insTCCCCCGGC, p.Gly1168_Pro1169insSerProGly (NM_030582.4); c.4209_4210insTCCCCCGGC, p.Gly1403_Pro1404insSerProGly (NM_130444.3).
Identifiers: ClinVar variation 2026063 (VCV002026063.4), dbSNP rs2517792054, ClinGen allele CA2580098862.

ClinVar aggregate classification (germline): Uncertain significance (1 of 4 stars; one submission).

Submission:

Labcorp Genetics (formerly Invitae), Labcorp
Classification: Uncertain significance. Last evaluated: 2023-10-13. Review status: criteria provided, single submitter. Criteria: Invitae Variant Classification Sherloc (09022015). Collection method: clinical testing. Allele origin: germline.
Comment: This variant, c.2964_2965insTCCCCCGGC, results in the insertion of 3 amino acid(s) of the COL18A1 protein (p.Gly988_Pro989insSerProGly), but otherwise preserves the integrity of the reading frame. This variant is not present in population databases (gnomAD no frequency). This variant has not been reported in the literature in individuals affected with COL18A1-related conditions. ClinVar contains an entry for this variant (Variation ID: 2026063). Experimental studies and prediction algorithms are not available or were not evaluated, and the functional significance of this variant is currently unknown. In summary, the available evidence is currently insufficient to determine the role of this variant in disease. Therefore, it has been classified as a Variant of Uncertain Significance.